The following is an entry in ClinVar:

ClinVar aggregate classification (germline): Pathogenic (1 of 4 stars; one submission).

Conditions:
Cardiovascular phenotype. Identifiers: MedGen CN230736.
Hereditary cancer-predisposing syndrome. Also called: Neoplastic Syndromes, Hereditary; Tumor predisposition; Hereditary Cancer Syndrome; Hereditary neoplastic syndrome. Identifiers: Orphanet 140162, MedGen C0027672, MeSH D009386, MONDO:0015356.

Submission:

Ambry Genetics
Classification: Pathogenic for Cardiovascular phenotype; Hereditary cancer-predisposing syndrome. Last evaluated: 2026-06-02. Review status: criteria provided, single submitter. Criteria: Ambry Variant Classification Scheme 2023. Collection method: clinical testing. Allele origin: germline.
Comment: The c.232_233delAA pathogenic mutation, located in coding exon 3 of the NF1 gene, results from a deletion of two nucleotides at nucleotide positions 232 to 233, causing a translational frameshift with a predicted alternate stop codon (p.N78Ffs*28). This variant was reported in individual(s) with features consistent with neurofibromatosis type 1 (Pros E et al. Hum Mutat, 2008 Sep;29:E173-93; Ambry internal data). This variant is considered to be rare based on population cohorts in the Genome Aggregation Database (gnomAD). This alteration is expected to result in loss of function by premature protein truncation or nonsense-mediated mRNA decay. As such, this alteration is interpreted as a disease-causing mutation.

Literature cited by the submitters: PubMed 18546366.

NM_001042492.3(NF1):c.232_233del (p.Asn78fs)

Gene: NF1 (neurofibromin 1; plus strand). Cytogenetic location: 17q11.2.
Variant type: Deletion.
Coding change: c.232_233del on transcript NM_001042492.3 (MANE Select); coding-DNA positions 232 to 233, 2 bases deleted (AA; older notation c.232_233delAA).
Protein change: p.Asn78fs; shifts the reading frame from asparagine 78.
Molecular consequence: frameshift variant.
Genome position (GRCh38, 1-based): chr17:31,159,037-31,159,038, AA deleted; deleting any 2 consecutive bases within chr17:31,159,032-31,159,038 gives the same sequence; the c. name uses the placement nearest the transcript's 3' end. VCF-style (leftmost placement, unchanged base first): chr17-31159031-GAA-G. GRCh37 (hg19) VCF-style: chr17-29486049-GAA-G.
Other names: c.232_233del, p.Asn78fs (NM_000267.4, NM_001128147.3); short protein forms N78fs.
Identifiers: ClinVar variation 4860846 (VCV004860846.1).